The following is an entry in ClinVar:

ClinVar aggregate classification (germline): Uncertain significance. Review status: criteria provided, multiple submitters, no conflicts (2 of 4 stars). 2 submissions from 2 submitters: Uncertain significance (2). Last evaluated 2025-10-30.

Conditions:
Neutropenia, severe congenital, 1, autosomal dominant. Identifiers: MedGen C1859966, MONDO:0042490, OMIM 202700.
Cyclical neutropenia. Also called: Cyclic Neutropenia; Cyclic hematopoiesis. Identifiers: Orphanet 2686, MedGen C0221023, MONDO:0008090, OMIM 162800, HP:0040289. Disease mechanism: loss of function.
Inborn genetic diseases. Identifiers: MedGen C0950123, MeSH D030342.

Submissions (2):

Ambry Genetics
Classification: Uncertain significance for Inborn genetic diseases. Last evaluated: 2025-10-30. Review status: criteria provided, single submitter. Criteria: Ambry Variant Classification Scheme 2023. Collection method: clinical testing. Allele origin: germline.
Comment: The p.G157S variant (also known as c.469G>A), located in coding exon 4 of the ELANE gene, results from a G to A substitution at nucleotide position 469. The glycine at codon 157 is replaced by serine, an amino acid with similar properties. This amino acid position is conserved. In addition, this alteration is predicted to be deleterious by in silico analysis. Based on the available evidence, the clinical significance of this variant remains unclear.

Labcorp Genetics (formerly Invitae), Labcorp
Classification: Uncertain significance for Neutropenia, severe congenital, 1, autosomal dominant; Cyclical neutropenia. Last evaluated: 2023-09-19. Review status: criteria provided, single submitter. Criteria: Invitae Variant Classification Sherloc (09022015). Collection method: clinical testing. Allele origin: germline.
Comment: In summary, the available evidence is currently insufficient to determine the role of this variant in disease. Therefore, it has been classified as a Variant of Uncertain Significance. Advanced modeling of protein sequence and biophysical properties (such as structural, functional, and spatial information, amino acid conservation, physicochemical variation, residue mobility, and thermodynamic stability) performed at Invitae indicates that this missense variant is expected to disrupt ELANE protein function. This variant has not been reported in the literature in individuals affected with ELANE-related conditions. This variant is not present in population databases (gnomAD no frequency). This sequence change replaces glycine, which is neutral and non-polar, with serine, which is neutral and polar, at codon 157 of the ELANE protein (p.Gly157Ser).

NM_001972.4(ELANE):c.469G>A (p.Gly157Ser)

Gene: ELANE (elastase, neutrophil expressed; plus strand). Cytogenetic location: 19p13.3.
Variant type: single nucleotide variant.
Coding change: c.469G>A on transcript NM_001972.4 (MANE Select); coding-DNA position 469, G replaced by A.
Protein change: p.Gly157Ser; replaces glycine 157 with serine.
Molecular consequence: missense variant.
Genome position (GRCh38, 1-based): chr19:855,666, G>A. VCF-style: chr19-855666-G-A. GRCh37 (hg19) VCF-style: chr19-855666-G-A.
Other names: short protein forms G157S.
Identifiers: ClinVar variation 2928722 (VCV002928722.4), dbSNP rs1011099435, ClinGen allele CA402918218.